The following is an entry in ClinVar:

NM_001256.6(CDC27):c.717A>T (p.Val239=)

Gene: CDC27 (cell division cycle 27; minus strand). Cytogenetic location: 17q21.32.
Variant type: single nucleotide variant.
Coding change: c.717A>T on transcript NM_001256.6 (MANE Select); coding-DNA position 717, A replaced by T.
Protein change: p.Val239=; no amino-acid change (valine 239 retained).
Molecular consequence: synonymous variant. On other transcripts: 5 prime UTR variant (1), non-coding transcript variant (1).
Genome position (GRCh38, 1-based): chr17:47,157,038, T>A on the plus strand (A>T on the coding strand, the complement: CDC27 is on the minus strand). VCF-style: chr17-47157038-T-A. GRCh37 (hg19) VCF-style: chr17-45234404-T-A.
Other names: c.717A>T, p.Val239= (NM_001114091.4, NM_001293089.3, NM_001353035.2 and 1 more transcripts); c.534A>T, p.Val178= (NM_001293091.3, NM_001353049.2); c.408A>T, p.Val136= (NM_001353050.2); c.-553A>T (NM_001353051.2).
Identifiers: ClinVar variation 3257195 (VCV003257195.17).

ClinVar aggregate classification (germline): Likely benign (1 of 4 stars; one submission).

Submission:

CeGaT Center for Human Genetics Tuebingen
Classification: Likely benign. Last evaluated: 2024-07-01. Review status: criteria provided, single submitter. Criteria: CeGaT Center For Human Genetics Tuebingen Variant Classification Criteria Version 2. Collection method: clinical testing. Allele origin: germline. Affected: yes. Observed: 1 variant allele.
Comment: CDC27: PM2:Supporting, BP4, BP7